The following is an entry in ClinVar:

NM_000179.3(MSH6):c.3871A>C (p.Lys1291Gln)

Gene: MSH6 (mutS homolog 6; plus strand). Cytogenetic location: 2p16.3.
Variant type: single nucleotide variant.
Coding change: c.3871A>C on transcript NM_000179.3 (MANE Select); coding-DNA position 3871, A replaced by C.
Protein change: p.Lys1291Gln; replaces lysine 1291 with glutamine.
Molecular consequence: missense variant.
Genome position (GRCh38, 1-based): chr2:47,806,521, A>C. VCF-style: chr2-47806521-A-C. GRCh37 (hg19) VCF-style: chr2-48033660-A-C.
Other names: c.3871A>C (NM_000179.2); c.3481A>C, p.Lys1161Gln (NM_001281492.2); c.2965A>C, p.Lys989Gln (NM_001281493.2, NM_001281494.2); short protein forms K1161Q, K989Q, K1291Q.
Identifiers: ClinVar variation 1412040 (VCV001412040.9), dbSNP rs1553333490, ClinGen allele CA346761355.

ClinVar aggregate classification (germline): Uncertain significance. Review status: criteria provided, multiple submitters, no conflicts (2 of 4 stars). 2 submissions from 2 submitters: Uncertain significance (2). Last evaluated 2025-05-22.

Conditions:
Hereditary nonpolyposis colorectal neoplasms. Identifiers: MedGen C0009405, MeSH D003123.
Hereditary cancer-predisposing syndrome. Also called: Hereditary Cancer Syndrome; Tumor predisposition; Hereditary neoplastic syndrome; Neoplastic Syndromes, Hereditary. Identifiers: Orphanet 140162, MedGen C0027672, MeSH D009386, MONDO:0015356.

Submissions (2):

Ambry Genetics
Classification: Uncertain significance for Hereditary cancer-predisposing syndrome. Last evaluated: 2025-05-22. Review status: criteria provided, single submitter. Criteria: Ambry Variant Classification Scheme 2023. Collection method: clinical testing. Allele origin: germline.
Comment: The p.K1291Q variant (also known as c.3871A>C), located in coding exon 9 of the MSH6 gene, results from an A to C substitution at nucleotide position 3871. The lysine at codon 1291 is replaced by glutamine, an amino acid with similar properties. This amino acid position is conserved. In addition, this alteration is predicted to be tolerated by in silico analysis. Based on the available evidence, the clinical significance of this variant remains unclear.

Labcorp Genetics (formerly Invitae), Labcorp
Classification: Uncertain significance for Hereditary nonpolyposis colorectal neoplasms. Last evaluated: 2023-11-28. Review status: criteria provided, single submitter. Criteria: Invitae Variant Classification Sherloc (09022015). Collection method: clinical testing. Allele origin: germline.
Comment: This sequence change replaces lysine, which is basic and polar, with glutamine, which is neutral and polar, at codon 1291 of the MSH6 protein (p.Lys1291Gln). This variant is not present in population databases (gnomAD no frequency). This variant has not been reported in the literature in individuals affected with MSH6-related conditions. ClinVar contains an entry for this variant (Variation ID: 1412040). Advanced modeling of protein sequence and biophysical properties (such as structural, functional, and spatial information, amino acid conservation, physicochemical variation, residue mobility, and thermodynamic stability) performed at Invitae indicates that this missense variant is not expected to disrupt MSH6 protein function with a negative predictive value of 95%. In summary, the available evidence is currently insufficient to determine the role of this variant in disease. Therefore, it has been classified as a Variant of Uncertain Significance.